The following is an entry in ClinVar:

NM_000138.5(FBN1):c.2969C>T (p.Thr990Ile)

Gene: FBN1 (fibrillin 1; minus strand). Cytogenetic location: 15q21.1.
Variant type: single nucleotide variant.
Coding change: c.2969C>T on transcript NM_000138.5 (MANE Select); coding-DNA position 2969, C replaced by T.
Protein change: p.Thr990Ile; replaces threonine 990 with isoleucine.
Molecular consequence: missense variant.
Genome position (GRCh38, 1-based): chr15:48,489,964, G>A on the plus strand (C>T on the coding strand, the complement: FBN1 is on the minus strand). VCF-style: chr15-48489964-G-A. GRCh37 (hg19) VCF-style: chr15-48782161-G-A.
Other names: c.2969C>T, p.Thr990Ile (NM_001406716.1); short protein forms T990I.
Identifiers: ClinVar variation 2567918 (VCV002567918.3), dbSNP rs2505558136, ClinGen allele CA392329374.
Genomic context (GRCh38, chr15:48,489,964, plus strand): 5'-CTCGGACACAGCTCCTCGTACTCAGGAGTATTTCTCATGGGACACTCCTCGCATTCCTCA[G>A]TACCCCAGGCTGCCCCGACGGAGCAGCAGCAGGCGTCCATGCGGTGGCGGCCAGCAATAG-3'
Protein context (NP_000129.3, residues 980-1000): CCCSVGAAWG[Thr990Ile]EECEECPMRN

ClinVar aggregate classification (germline): Uncertain significance (1 of 4 stars; one submission).

Conditions:
Familial thoracic aortic aneurysm and aortic dissection (TAAD). Also called: Thoracic aortic aneurysms and dissections. Identifiers: Orphanet 91387, MedGen C4707243, MONDO:0019625.

Submission:

Ambry Genetics
Classification: Uncertain significance for Familial thoracic aortic aneurysm and aortic dissection. Last evaluated: 2023-06-16. Review status: criteria provided, single submitter. Criteria: Ambry Variant Classification Scheme 2023. Collection method: clinical testing. Allele origin: germline.
Comment: The p.T990I variant (also known as c.2969C>T), located in coding exon 24 of the FBN1 gene, results from a C to T substitution at nucleotide position 2969. The threonine at codon 990 is replaced by isoleucine, an amino acid with similar properties. This amino acid position is not well conserved in available vertebrate species. In addition, this alteration is predicted to be tolerated by in silico analysis. Since supporting evidence is limited at this time, the clinical significance of this alteration remains unclear.